The following is an entry in ClinVar:

NM_001267550.2(TTN):c.103471G>C (p.Glu34491Gln)

Genes: TTN (titin; minus strand), TTN-AS1 (TTN antisense RNA 1; plus strand). Cytogenetic location: 2q31.2.
Variant type: single nucleotide variant.
Coding change: c.103471G>C on transcript NM_001267550.2 (MANE Select); coding-DNA position 103471, G replaced by C.
Protein change: p.Glu34491Gln; replaces glutamic acid 34491 with glutamine.
Molecular consequence: missense variant.
Genome position (GRCh38, 1-based): chr2:178,533,144, C>G on the plus strand (G>C on the coding strand, the complement: TTN is on the minus strand). VCF-style: chr2-178533144-C-G. GRCh37 (hg19) VCF-style: chr2-179397871-C-G.
Other names: p.E32850Q:GAA>CAA; c.98548G>C, p.Glu32850Gln (NM_001256850.1); c.76276G>C, p.Glu25426Gln (NM_003319.4); c.95767G>C, p.Glu31923Gln (NM_133378.4); c.76651G>C, p.Glu25551Gln (NM_133432.3); c.76852G>C, p.Glu25618Gln (NM_133437.4); short protein forms E32850Q, E34491Q, E25426Q, E31923Q, E25551Q, E25618Q.
Identifiers: ClinVar variation 203072 (VCV000203072.2), dbSNP rs556218739, ClinGen allele CA311154.

ClinVar aggregate classification (germline): Uncertain significance (1 of 4 stars; one submission).

gnomAD v4.1: 1 of 1,613,984 alleles (0.000062%); highest among the groups gnomAD compares: Non-Finnish European, 0.000085%; no homozygotes.

Submission:

GeneDx
Classification: Uncertain significance. Last evaluated: 2014-03-20. Review status: criteria provided, single submitter. Criteria: GeneDx Variant Classification (06012015). Collection method: clinical testing. Allele origin: germline. Affected: yes.
Comment: Missense variants in the TTN gene are considered 'unclassified' if they are not previously reported in the literature and do not have >1% frequency in the population to be considered a polymorphism. Research indicates that truncating mutations in the TTN gene are expected to account for approximately 25% of familial and 18% of sporadic idiopathic DCM; however, truncating variants in the TTN gene have been reported in approximately 3% of reported control alleles. There has been little investigation into non-truncating variants. (Herman D et al. Truncations of titin causing dilated cardiomyopathy. N Eng J Med 366:619-628, 2012) The variant is found in CARDIOMYOPATHY panel(s).